The following is an entry in ClinVar:

ClinVar aggregate classification (germline): Uncertain significance (1 of 4 stars; one submission).

Allele frequency attached by ClinVar (database versions not stated): gnomAD exomes below 0.00001.
gnomAD v4.1: 2 of 1,614,152 alleles (0.00012%); highest among the groups gnomAD compares: East Asian, 0.0045%; no homozygotes.

Submission:

GeneDx
Classification: Uncertain significance. Last evaluated: 2019-12-10. Review status: criteria provided, single submitter. Criteria: GeneDx Variant Classification Process June 2021. Collection method: clinical testing. Allele origin: germline. Affected: yes.
Comment: Not observed in large population cohorts (Lek et al., 2016); In silico analysis, which includes protein predictors and evolutionary conservation, supports that this variant does not alter protein structure/function; Has not been previously published as pathogenic or benign to our knowledge

NM_022455.5(NSD1):c.438C>G (p.Ile146Met)

Gene: NSD1 (nuclear receptor binding SET domain protein 1; plus strand). Cytogenetic location: 5q35.3.
Variant type: single nucleotide variant.
Coding change: c.438C>G on transcript NM_022455.5 (MANE Select); coding-DNA position 438, C replaced by G.
Protein change: p.Ile146Met; replaces isoleucine 146 with methionine.
Molecular consequence: missense variant. On other transcripts: intron variant (8).
Genome position (GRCh38, 1-based): chr5:177,135,541, C>G. VCF-style: chr5-177135541-C-G. GRCh37 (hg19) VCF-style: chr5-176562542-C-G.
Other names: c.438C>G, p.Ile146Met (NM_001409301.1, NM_001409302.1, NM_001409303.1); c.417+21C>G (NM_001409304.1); c.-37+341C>G (NM_001409305.1, NM_001409306.1, NM_001409308.1 and 4 more transcripts); short protein forms I146M.
Identifiers: ClinVar variation 1311145 (VCV001311145.2), dbSNP rs1240259079, ClinGen allele CA362293306.